The following is an entry in ClinVar:

NM_006080.3(SEMA3A):c.331C>T (p.Leu111=)

Gene: SEMA3A (semaphorin 3A; minus strand). Cytogenetic location: 7q21.11.
Variant type: single nucleotide variant.
Coding change: c.331C>T on transcript NM_006080.3 (MANE Select); coding-DNA position 331, C replaced by T.
Protein change: p.Leu111=; no amino-acid change (leucine 111 retained).
Molecular consequence: synonymous variant.
Genome position (GRCh38, 1-based): chr7:84,129,125, G>A on the plus strand (C>T on the coding strand, the complement: SEMA3A is on the minus strand). VCF-style: chr7-84129125-G-A. GRCh37 (hg19) VCF-style: chr7-83758441-G-A.
Identifiers: ClinVar variation 755409 (VCV000755409.7), dbSNP rs763803325, ClinGen allele CA4323048.

ClinVar aggregate classification (germline): Likely benign. Review status: criteria provided, multiple submitters, no conflicts (2 of 4 stars). 2 submissions from 2 submitters: Likely benign (2). Last evaluated 2025-10-13.

Conditions:
SEMA3A-related disorder. Also called: SEMA3A-related condition.

Allele frequency attached by ClinVar (database versions not stated): gnomAD 0.00001 and 0.00002; gnomAD exomes 0.00002 and 0.00003; ExAC 0.00003; TOPMed 0.00005.
gnomAD v4.1: 26 of 1,607,696 alleles (0.0016%); highest among the groups gnomAD compares: Middle Eastern, 0.049%; no homozygotes.

Submissions (2):

PreventionGenetics, part of Exact Sciences
Classification: Likely benign for SEMA3A-related condition. Last evaluated: 2025-10-13. Review status: criteria provided, single submitter. Criteria: ACMG Guidelines, 2015. Collection method: clinical testing. Allele origin: germline.
Comment: This variant is classified as likely benign based on ACMG/AMP sequence variant interpretation guidelines (Richards et al. 2015 PMID: 25741868, with internal and published modifications).

Labcorp Genetics (formerly Invitae), Labcorp
Classification: Likely benign. Last evaluated: 2024-11-12. Review status: criteria provided, single submitter. Criteria: Invitae Variant Classification Sherloc (09022015). Collection method: clinical testing. Allele origin: germline.